The following is an entry in ClinVar:

NM_138477.4(CDAN1):c.3290T>G (p.Leu1097Arg)

Gene: CDAN1 (codanin 1; minus strand). Cytogenetic location: 15q15.2.
Variant type: single nucleotide variant.
Coding change: c.3290T>G on transcript NM_138477.4 (MANE Select); coding-DNA position 3290, T replaced by G.
Protein change: p.Leu1097Arg; replaces leucine 1097 with arginine.
Molecular consequence: missense variant.
Genome position (GRCh38, 1-based): chr15:42,725,649, A>C on the plus strand (T>G on the coding strand, the complement: CDAN1 is on the minus strand). VCF-style: chr15-42725649-A-C. GRCh37 (hg19) VCF-style: chr15-43017847-A-C.
Other names: short protein forms L1097R.
Identifiers: ClinVar variation 1717741 (VCV001717741.5), dbSNP rs954443153, ClinGen allele CA269897937.

ClinVar aggregate classification (germline): Uncertain significance (1 of 4 stars; one submission).

Submission:

Labcorp Genetics (formerly Invitae), Labcorp
Classification: Uncertain significance. Last evaluated: 2023-10-13. Review status: criteria provided, single submitter. Criteria: Invitae Variant Classification Sherloc (09022015). Collection method: clinical testing. Allele origin: germline.
Comment: This sequence change replaces leucine, which is neutral and non-polar, with arginine, which is basic and polar, at codon 1097 of the CDAN1 protein (p.Leu1097Arg). This variant is not present in population databases (gnomAD no frequency). This variant has not been reported in the literature in individuals affected with CDAN1-related conditions. ClinVar contains an entry for this variant (Variation ID: 1717741). An algorithm developed to predict the effect of missense changes on protein structure and function (PolyPhen-2) suggests that this variant is likely to be disruptive. In summary, the available evidence is currently insufficient to determine the role of this variant in disease. Therefore, it has been classified as a Variant of Uncertain Significance.